The following is an entry in ClinVar:

ClinVar aggregate classification (germline): Uncertain significance (1 of 4 stars; one submission).

Submission:

Labcorp Genetics (formerly Invitae), Labcorp
Classification: Uncertain significance. Last evaluated: 2022-04-13. Review status: criteria provided, single submitter. Criteria: Invitae Variant Classification Sherloc (09022015). Collection method: clinical testing. Allele origin: germline.
Comment: This sequence change replaces tyrosine, which is neutral and polar, with histidine, which is basic and polar, at codon 1016 of the CFH protein (p.Tyr1016His). This variant is not present in population databases (gnomAD no frequency). This variant has not been reported in the literature in individuals affected with CFH-related conditions. Algorithms developed to predict the effect of missense changes on protein structure and function are either unavailable or do not agree on the potential impact of this missense change (SIFT: "Tolerated"; PolyPhen-2: "Probably Damaging"; Align-GVGD: "Class C0"). In summary, the available evidence is currently insufficient to determine the role of this variant in disease. Therefore, it has been classified as a Variant of Uncertain Significance.

NM_000186.4(CFH):c.3046T>C (p.Tyr1016His)

Gene: CFH (complement factor H; plus strand). Cytogenetic location: 1q31.3.
Variant type: single nucleotide variant.
Coding change: c.3046T>C on transcript NM_000186.4 (MANE Select); coding-DNA position 3046, T replaced by C.
Protein change: p.Tyr1016His; replaces tyrosine 1016 with histidine.
Molecular consequence: missense variant.
Genome position (GRCh38, 1-based): chr1:196,741,964, T>C. VCF-style: chr1-196741964-T-C. GRCh37 (hg19) VCF-style: chr1-196711094-T-C.
Other names: short protein forms Y1016H.
Identifiers: ClinVar variation 2126120 (VCV002126120.4), dbSNP rs1652822143, ClinGen allele CA343981559.